The following is an entry in ClinVar:

ClinVar aggregate classification (germline): Benign/Likely benign. Review status: criteria provided, multiple submitters, no conflicts (2 of 4 stars). 8 submissions from 8 submitters: Benign (1); Likely benign (7). Last evaluated 2026-01-20.

Conditions:
Hereditary nonpolyposis colorectal neoplasms. Identifiers: MedGen C0009405, MeSH D003123.
Hereditary cancer-predisposing syndrome. Also called: Neoplastic Syndromes, Hereditary; Hereditary Cancer Syndrome; Tumor predisposition; Hereditary neoplastic syndrome. Identifiers: Orphanet 140162, MedGen C0027672, MeSH D009386, MONDO:0015356.
Lynch syndrome 4 (LYNCH4). Also called: Colorectal cancer, hereditary nonpolyposis, type 4; Hereditary non-polyposis colorectal cancer, type 4. Identifiers: Orphanet 144, MedGen C1838333, MONDO:0013699, OMIM 614337. Disease mechanism: loss of function.

Allele frequency attached by ClinVar (database versions not stated): gnomAD exomes below 0.00001 and 0.00001; ExAC 0.00001; gnomAD 0.00001; TOPMed 0.00002; ESP Exome Variant Server 0.00008.
gnomAD v4.1: 12 of 1,613,958 alleles (0.00074%); highest among the groups gnomAD compares: African/African-American, 0.0013%; no homozygotes.

Submissions (8):

Labcorp Genetics (formerly Invitae), Labcorp
Classification: Likely benign for Hereditary nonpolyposis colorectal neoplasms. Last evaluated: 2026-01-20. Review status: criteria provided, single submitter. Criteria: Invitae Variant Classification Sherloc (09022015). Collection method: clinical testing. Allele origin: germline.

CeGaT Center for Human Genetics Tuebingen
Classification: Likely benign. Last evaluated: 2025-08-01. Review status: criteria provided, single submitter. Criteria: CeGaT Center For Human Genetics Tuebingen Variant Classification Criteria Version 2. Collection method: clinical testing. Allele origin: germline. Affected: yes. Observed: 2 variant alleles.
Comment: PMS2: BP4, BP7

Quest Diagnostics Nichols Institute San Juan Capistrano
Classification: Likely benign. Last evaluated: 2025-04-14. Review status: criteria provided, single submitter. Criteria: Quest Diagnostics criteria. Collection method: clinical testing. Allele origin: unknown.

Myriad Genetics, Inc.
Classification: Benign for Lynch syndrome 4. Last evaluated: 2025-01-31. Review status: criteria provided, single submitter. Criteria: Myriad Autosomal Dominant, Autosomal Recessive and X-Linked Classification Criteria (2023). Collection method: clinical testing. Allele origin: unknown.
Comment: This variant is considered benign. This variant is a silent/synonymous amino acid change and it is not expected to impact splicing.

Women's Health and Genetics/Laboratory Corporation of America, LabCorp
Classification: Likely benign. Last evaluated: 2023-01-01. Review status: criteria provided, single submitter. Criteria: LabCorp Variant Classification Summary - May 2015. Collection method: clinical testing. Allele origin: germline.

Color Diagnostics, LLC DBA Color Health
Classification: Likely benign for Hereditary cancer-predisposing syndrome. Last evaluated: 2017-11-30. Review status: criteria provided, single submitter. Criteria: ACMG Guidelines, 2015. Collection method: clinical testing. Allele origin: germline.

GeneDx
Classification: Likely benign. Last evaluated: 2017-11-01. Review status: criteria provided, single submitter. Criteria: GeneDx Variant Classification (06012015). Collection method: clinical testing. Allele origin: germline. Affected: yes.
Comment: This variant is considered likely benign or benign based on one or more of the following criteria: it is a conservative change, it occurs at a poorly conserved position in the protein, it is predicted to be benign by multiple in silico algorithms, and/or has population frequency not consistent with disease.

Ambry Genetics
Classification: Likely benign for Hereditary cancer-predisposing syndrome. Last evaluated: 2015-04-27. Review status: criteria provided, single submitter. Criteria: Ambry Variant Classification Scheme 2023. Collection method: clinical testing. Allele origin: germline.

NM_000535.7(PMS2):c.1902T>C (p.His634=)

Gene: PMS2 (PMS1 homolog 2, mismatch repair system component; minus strand). Cytogenetic location: 7p22.1.
Variant type: single nucleotide variant.
Coding change: c.1902T>C on transcript NM_000535.7 (MANE Select); coding-DNA position 1902, T replaced by C.
Protein change: p.His634=; no amino-acid change (histidine 634 retained).
Molecular consequence: synonymous variant. On other transcripts: non-coding transcript variant (1).
Genome position (GRCh38, 1-based): chr7:5,986,863, A>G on the plus strand (T>C on the coding strand, the complement: PMS2 is on the minus strand). VCF-style: chr7-5986863-A-G. GRCh37 (hg19) VCF-style: chr7-6026494-A-G.
Other names: c.1497T>C, p.His499= (NM_001322003.2, NM_001322004.2, NM_001322005.2 and 1 more transcripts); c.1746T>C, p.His582= (NM_001322006.2); c.1584T>C, p.His528= (NM_001322007.2, NM_001322008.2); c.1341T>C, p.His447= (NM_001322010.2); c.969T>C, p.His323= (NM_001322011.2, NM_001322012.2); c.1329T>C, p.His443= (NM_001322013.2); c.1902T>C, p.His634= (NM_001322014.2); c.1593T>C, p.His531= (NM_001322015.2).
Identifiers: ClinVar variation 231288 (VCV000231288.30), dbSNP rs376335675, ClinGen allele CA045817.